The following is an entry in ClinVar:

ClinVar aggregate classification (germline): Likely benign. Review status: criteria provided, multiple submitters, no conflicts (2 of 4 stars). 2 submissions from 2 submitters: Likely benign (2). Last evaluated 2025-09-30.

Conditions:
KMT2D-related disorder. Also called: KMT2D-Related Disorders.
Kabuki syndrome. Also called: Kabuki make-up syndrome; NIIKAWA-KUROKI SYNDROME. Identifiers: Orphanet 2322, MedGen C0796004, MONDO:0016512.

gnomAD v4.1: 5 of 1,611,292 alleles (0.00031%); highest among the groups gnomAD compares: Non-Finnish European, 0.00042%; no homozygotes.

Submissions (2):

PreventionGenetics, part of Exact Sciences
Classification: Likely benign for KMT2D-related condition. Last evaluated: 2025-09-30. Review status: criteria provided, single submitter. Criteria: ACMG Guidelines, 2015. Collection method: clinical testing. Allele origin: germline.
Comment: This variant is classified as likely benign based on ACMG/AMP sequence variant interpretation guidelines (Richards et al. 2015 PMID: 25741868, with internal and published modifications).

Labcorp Genetics (formerly Invitae), Labcorp
Classification: Likely benign for Kabuki syndrome. Last evaluated: 2024-03-01. Review status: criteria provided, single submitter. Criteria: Invitae Variant Classification Sherloc (09022015). Collection method: clinical testing. Allele origin: germline.

NM_003482.4(KMT2D):c.4660G>A (p.Val1554Ile)

Gene: KMT2D (lysine methyltransferase 2D; minus strand). Cytogenetic location: 12q13.12.
Variant type: single nucleotide variant.
Coding change: c.4660G>A on transcript NM_003482.4 (MANE Select); coding-DNA position 4660, G replaced by A.
Protein change: p.Val1554Ile; replaces valine 1554 with isoleucine.
Molecular consequence: missense variant.
Genome position (GRCh38, 1-based): chr12:49,046,098, C>T on the plus strand (G>A on the coding strand, the complement: KMT2D is on the minus strand). VCF-style: chr12-49046098-C-T. GRCh37 (hg19) VCF-style: chr12-49439881-C-T.
Other names: short protein forms V1554I.
Identifiers: ClinVar variation 3614969 (VCV003614969.3).